The following is an entry in ClinVar:

ClinVar aggregate classification (germline): Conflicting classifications of pathogenicity. Review status: criteria provided, conflicting classifications (1 of 4 stars). 6 submissions from 6 submitters: Uncertain significance (4); Likely benign (2). Last evaluated 2025-04-10.

Conditions:
Hereditary nonpolyposis colorectal neoplasms. Identifiers: MedGen C0009405, MeSH D003123.
Lynch syndrome 5 (LYNCH5). Also called: Colorectal cancer, hereditary nonpolyposis, type 5; Hereditary non-polyposis colorectal cancer, type 5. Identifiers: Orphanet 144, MedGen C1833477, MONDO:0013710, OMIM 614350. Disease mechanism: loss of function.
Lynch syndrome. Identifiers: Orphanet 144, MedGen C4552100, MONDO:0005835. Disease mechanism: loss of function.
Hereditary cancer-predisposing syndrome. Also called: Hereditary Cancer Syndrome; Neoplastic Syndromes, Hereditary; Tumor predisposition; Hereditary neoplastic syndrome. Identifiers: Orphanet 140162, MedGen C0027672, MeSH D009386, MONDO:0015356.

Allele frequency attached by ClinVar (database versions not stated): gnomAD exomes below 0.00001 and 0.00001; TOPMed 0.00001.
gnomAD v4.1: 3 of 1,614,126 alleles (0.00019%); highest among the groups gnomAD compares: South Asian, 0.0011%; no homozygotes.

Submissions (6):

Labcorp Genetics (formerly Invitae), Labcorp
Classification: Likely benign for Hereditary nonpolyposis colorectal neoplasms. Last evaluated: 2025-04-10. Review status: criteria provided, single submitter. Criteria: Invitae Variant Classification Sherloc (09022015). Collection method: clinical testing. Allele origin: germline.

All of Us Research Program, National Institutes of Health
Classification: Uncertain significance for Lynch syndrome. Last evaluated: 2024-09-23. Review status: criteria provided, single submitter. Criteria: ACMG Guidelines, 2015. Collection method: clinical testing. Allele origin: germline. Inheritance: Autosomal dominant inheritance. Observed: 3 variant alleles, 3 heterozygotes.
Comment: This missense variant replaces lysine with arginine at codon 692 of the MSH6 protein. Computational prediction suggests that this variant may not impact protein structure and function (internally defined REVEL score threshold <= 0.5, PMID: 27666373). To our knowledge, functional studies have not been reported for this variant. This variant has not been reported in individuals affected with MSH6-related disorders in the literature. This variant has been identified in 1/250594 chromosomes in the general population by the Genome Aggregation Database (gnomAD). The available evidence is insufficient to determine the role of this variant in disease conclusively. Therefore, this variant is classified as a Variant of Uncertain Significance.

This study involves interpretation of variants in research participants for the purpose of population health screening. Participant phenotype was not available at the time of variant classification. Additional details can be found in publication PMID: 35346344, PMCID: PMC8962531

Color Diagnostics, LLC DBA Color Health
Classification: Uncertain significance for Hereditary cancer-predisposing syndrome. Last evaluated: 2024-03-07. Review status: criteria provided, single submitter. Criteria: ACMG Guidelines, 2015. Collection method: clinical testing. Allele origin: germline.
Comment: This missense variant replaces lysine with arginine at codon 692 of the MSH6 protein. Computational prediction suggests that this variant may not impact protein structure and function (internally defined REVEL score threshold <= 0.5, PMID: 27666373). To our knowledge, functional studies have not been reported for this variant. This variant has not been reported in individuals affected with MSH6-related disorders in the literature. This variant has been identified in 1/250594 chromosomes in the general population by the Genome Aggregation Database (gnomAD). The available evidence is insufficient to determine the role of this variant in disease conclusively. Therefore, this variant is classified as a Variant of Uncertain Significance.

GeneDx
Classification: Uncertain significance. Last evaluated: 2022-07-11. Review status: criteria provided, single submitter. Criteria: GeneDx Variant Classification Process June 2021. Collection method: clinical testing. Allele origin: germline. Affected: yes.
Comment: Not observed at significant frequency in large population cohorts (gnomAD); In silico analysis supports that this missense variant does not alter protein structure/function; Has not been previously published as pathogenic or benign to our knowledge; This variant is associated with the following publications: (PMID: 17531815, 21120944)

Ambry Genetics
Classification: Likely benign for Hereditary cancer-predisposing syndrome. Last evaluated: 2022-03-21. Review status: criteria provided, single submitter. Criteria: Ambry Variant Classification Scheme 2023. Collection method: clinical testing. Allele origin: germline.

MGZ Medical Genetics Center
Classification: Uncertain significance for Lynch syndrome 5. Last evaluated: 2021-11-26. Review status: criteria provided, single submitter. Criteria: ACMG Guidelines, 2015. Collection method: clinical testing. Allele origin: germline. Affected: yes. Observed: 1 variant allele.
Comment: ACMG criteria applied: PM2_SUP, PP3

NM_000179.3(MSH6):c.2075A>G (p.Lys692Arg)

Gene: MSH6 (mutS homolog 6; plus strand). Cytogenetic location: 2p16.3.
Variant type: single nucleotide variant.
Coding change: c.2075A>G on transcript NM_000179.3 (MANE Select); coding-DNA position 2075, A replaced by G.
Protein change: p.Lys692Arg; replaces lysine 692 with arginine.
Molecular consequence: missense variant.
Genome position (GRCh38, 1-based): chr2:47,800,058, A>G. VCF-style: chr2-47800058-A-G. GRCh37 (hg19) VCF-style: chr2-48027197-A-G.
Other names: c.1685A>G, p.Lys562Arg (NM_001281492.2); c.1169A>G, p.Lys390Arg (NM_001281493.2, NM_001281494.2); short protein forms K692R, K562R, K390R.
Identifiers: ClinVar variation 479902 (VCV000479902.27), dbSNP rs975991506, ClinGen allele CA46710290.